The following is an entry in ClinVar:

NM_000135.4(FANCA):c.1787T>C (p.Val596Ala)

Gene: FANCA (FA complementation group A; minus strand). Cytogenetic location: 16q24.3.
Variant type: single nucleotide variant.
Coding change: c.1787T>C on transcript NM_000135.4 (MANE Select); coding-DNA position 1787, T replaced by C.
Protein change: p.Val596Ala; replaces valine 596 with alanine.
Molecular consequence: missense variant.
Genome position (GRCh38, 1-based): chr16:89,778,840, A>G on the plus strand (T>C on the coding strand, the complement: FANCA is on the minus strand). VCF-style: chr16-89778840-A-G. GRCh37 (hg19) VCF-style: chr16-89845248-A-G.
Other names: c.1787T>C, p.Val596Ala (NM_001286167.3); short protein forms V596A.
Identifiers: ClinVar variation 3581529 (VCV003581529.2).

ClinVar aggregate classification (germline): Uncertain significance. Review status: criteria provided, multiple submitters, no conflicts (2 of 4 stars). 2 submissions from 2 submitters: Uncertain significance (2). Last evaluated 2026-08-11.

Conditions:
Fanconi anemia complementation group A (FANCA). Also called: Fanconi anemia, group A; FANCA-Related Fanconi Anemia. Identifiers: Orphanet 84, MedGen C3469521, MONDO:0009215, OMIM 227650.
Inborn genetic diseases. Identifiers: MedGen C0950123, MeSH D030342.

gnomAD v4.1: 1 of 1,613,994 alleles (0.000062%); highest among the groups gnomAD compares: African/African-American, 0.0013%; no homozygotes.

Submissions (2):

Ambry Genetics
Classification: Uncertain significance for Inborn genetic diseases. Last evaluated: 2026-08-11. Review status: criteria provided, single submitter. Criteria: Ambry Variant Classification Scheme 2023. Collection method: clinical testing. Allele origin: germline.
Comment: The p.V596A variant (also known as c.1787T>C), located in coding exon 20 of the FANCA gene, results from a T to C substitution at nucleotide position 1787. The valine at codon 596 is replaced by alanine, an amino acid with similar properties. This amino acid position is conserved. In addition, this alteration is predicted to be tolerated by in silico analysis. Based on the available evidence, the clinical significance of this variant remains unclear.

Fulgent Genetics
Classification: Uncertain significance for Fanconi anemia complementation group A. Last evaluated: 2024-06-04. Review status: criteria provided, single submitter. Criteria: ACMG Guidelines, 2015. Collection method: clinical testing. Allele origin: germline.